The following is an entry in ClinVar:

NM_001267550.2(TTN):c.18766C>T (p.Leu6256Phe)

Genes: TTN (titin; minus strand), LOC126806430 (BRD4-independent group 4 enhancer GRCh37_chr2:179593794-179594993; plus strand). Cytogenetic location: 2q31.2.
Variant type: single nucleotide variant.
Coding change: c.18766C>T on transcript NM_001267550.2 (MANE Select); coding-DNA position 18766, C replaced by T.
Protein change: p.Leu6256Phe; replaces leucine 6256 with phenylalanine.
Molecular consequence: missense variant. On other transcripts: intron variant (3).
Genome position (GRCh38, 1-based): chr2:178,729,390, G>A on the plus strand (C>T on the coding strand, the complement: TTN is on the minus strand). VCF-style: chr2-178729390-G-A. GRCh37 (hg19) VCF-style: chr2-179594117-G-A.
Other names: c.17815C>T, p.Leu5939Phe (NM_001256850.1); c.15034C>T, p.Leu5012Phe (NM_133378.4); c.13282+8692C>T (NM_003319.4); c.13858+8692C>T (NM_133437.4); c.13657+8692C>T (NM_133432.3); short protein forms L5939F, L6256F, L5012F.
Identifiers: ClinVar variation 4982501 (VCV004982501.1).

ClinVar aggregate classification (germline): Uncertain significance (1 of 4 stars; one submission).

Conditions:
TTN-related disorder. Also called: TTN-related disorders; TTN-related condition; TTN-related disease.

gnomAD v4.1: 3 of 1,613,472 alleles (0.00019%); highest among the groups gnomAD compares: Admixed American, 0.0033%; no homozygotes.

Submission:

PreventionGenetics, part of Exact Sciences
Classification: Uncertain significance for TTN-related condition. Last evaluated: 2026-06-15. Review status: criteria provided, single submitter. Criteria: ACMG Guidelines, 2015. Collection method: clinical testing. Allele origin: germline.
Comment: The TTN c.18766C>T variant is predicted to result in the amino acid substitution p.Leu6256Phe. To our knowledge, this variant has not been reported in the literature or in a large population database (gnomAD), indicating this variant is rare. At this time, the clinical significance of this variant is uncertain due to the absence of conclusive functional and genetic evidence.